The following is an entry in ClinVar:

ClinVar aggregate classification (germline): Likely pathogenic. Review status: criteria provided, single submitter (1 of 4 stars). 2 submissions from 2 submitters: Likely pathogenic (1). 1 of the submissions does not count toward it. Last evaluated 2024-02-09.

Conditions:
Hypercholesterolemia, familial, 1. Also called: LDL RECEPTOR DISORDER; Hyperlipoproteinemia Type IIa; HYPER-LOW-DENSITY-LIPOPROTEINEMIA; HYPERCHOLESTEROLEMIC XANTHOMATOSIS, FAMILIAL; Fredrickson type IIa hyperlipoproteinemia; Hyperlipoproteinemia type 2. Identifiers: Orphanet 391665, MedGen C0745103, MONDO:0007750, OMIM 143890.
Hypercholesterolemia, autosomal dominant, type B (FHCL2). Also called: HYPERCHOLESTEROLEMIA, FAMILIAL, DUE TO LIGAND-DEFECTIVE APOLIPOPROTEIN B; Familial Hypercholesterolemia Type B; APOLIPOPROTEIN B-100, FAMILIAL DEFECTIVE; APOLIPOPROTEIN B-100, FAMILIAL LIGAND-DEFECTIVE; Familial hypercholesterolemia 2; APOB-Related Familial Hypercholesterolemia, Autosomal Dominant. Identifiers: MedGen C1704417, MONDO:0007751, OMIM 144010.
Familial hypobetalipoproteinemia 1. Also called: APOB-Related Familial Hypobetalipoproteinemia; Hypobetalipoproteinemia, normotriglyceridemic; Acanthocytosis with hypobetalipoproteinemia. Identifiers: MedGen C4551990, MONDO:0014252, OMIM 615558.

Submissions (2):

Labcorp Genetics (formerly Invitae), Labcorp
Classification: Likely pathogenic for Familial hypobetalipoproteinemia 1; Hypercholesterolemia, autosomal dominant, type B. Last evaluated: 2024-02-09. Review status: criteria provided, single submitter. Criteria: Invitae Variant Classification Sherloc (09022015). Collection method: clinical testing. Allele origin: germline.
Comment: This sequence change replaces arginine, which is basic and polar, with leucine, which is neutral and non-polar, at codon 3527 of the APOB protein (p.Arg3527Leu). This variant is not present in population databases (gnomAD no frequency). This missense change has been observed in individuals with familial hypercholesterolemia (PMID: 16250003, 33269076; Invitae). This variant is also known as p.Arg3500Leu. ClinVar contains an entry for this variant (Variation ID: 440523). Advanced modeling of protein sequence and biophysical properties (such as structural, functional, and spatial information, amino acid conservation, physicochemical variation, residue mobility, and thermodynamic stability) has been performed at Invitae for this missense variant, however the output from this modeling did not meet the statistical confidence thresholds required to predict the impact of this variant on APOB protein function. This variant disrupts the p.Arg3527 amino acid residue in APOB. Other variant(s) that disrupt this residue have been determined to be pathogenic (PMID: 7627691, 11238294). This suggests that this residue is clinically significant, and that variants that disrupt this residue are likely to be disease-causing. In summary, the currently available evidence indicates that the variant is pathogenic, but additional data are needed to prove that conclusively. Therefore, this variant has been classified as Likely Pathogenic.

Laboratorium voor Moleculaire Diagnostiek Experimentele Vasculaire Geneeskunde, Academisch Medisch Centrum
Classification: Pathogenic for Familial hypercholesterolemia. Review status: no assertion criteria provided. Collection method: research. Allele origin: germline. Not counted in ClinVar's aggregate classification.

Literature cited by the submitters: PubMed 16250003 (cited by Labcorp Genetics (formerly Invitae), Labcorp); PubMed 33269076 (cited by Labcorp Genetics (formerly Invitae), Labcorp); PubMed 7627691 (cited by Labcorp Genetics (formerly Invitae), Labcorp); PubMed 11238294 (cited by Labcorp Genetics (formerly Invitae), Labcorp).

NM_000384.3(APOB):c.10580G>T (p.Arg3527Leu)

Gene: APOB (apolipoprotein B; minus strand). Cytogenetic location: 2p24.1.
Variant type: single nucleotide variant.
Coding change: c.10580G>T on transcript NM_000384.3 (MANE Select); coding-DNA position 10580, G replaced by T.
Protein change: p.Arg3527Leu; replaces arginine 3527 with leucine.
Molecular consequence: missense variant.
Genome position (GRCh38, 1-based): chr2:21,006,288, C>A on the plus strand (G>T on the coding strand, the complement: APOB is on the minus strand). VCF-style: chr2-21006288-C-A. GRCh37 (hg19) VCF-style: chr2-21229160-C-A.
Other names: short protein forms R3527L.
Identifiers: ClinVar variation 440523 (VCV000440523.3), dbSNP rs5742904, ClinGen allele CA345986090.
Genomic context (GRCh38, chr2:21,006,288, plus strand): 5'-TTTACTTCAAGGTTCCAGATATCATCAATTTTGGAAGTGCCCTGCAGCTTCACTGAAGAC[C>A]GTGTGCTCTTGGAATTCAAGTAAGTGTTGGCCTCACTAGCAATAGTTCCTGAATATTCCC-3'
Protein context (NP_000375.3, residues 3517-3537): ANTYLNSKST[Arg3527Leu]SSVKLQGTSK